The following is an entry in ClinVar:

ClinVar aggregate classification (germline): Uncertain significance (1 of 4 stars; one submission).

Conditions:
Primary ciliary dyskinesia. Also called: Ciliary dyskinesia. Identifiers: Orphanet 244, MedGen C0008780, MONDO:0016575, HP:0012265.

Allele frequency attached by ClinVar (database versions not stated): TOPMed below 0.00001; ExAC 0.00001.
gnomAD v4.1: 1 of 1,556,574 alleles (0.000064%); highest among the groups gnomAD compares: Non-Finnish European, 0.000087%; no homozygotes.

Submission:

Ambry Genetics
Classification: Uncertain significance for Primary ciliary dyskinesia. Last evaluated: 2014-11-26. Review status: criteria provided, single submitter. Criteria: Ambry Variant Classification Scheme 2023. Collection method: clinical testing. Allele origin: germline.
Comment: The p.T992I variant (also known as c.2975C>T), located in coding exon 15 of the DNAH11 gene, results from a C to T substitution at nucleotide position 2975. The threonine at codon 992 is replaced by isoleucine, an amino acid with some similar properties. This variant was not reported in population based cohorts in the following databases: Database of Single Nucleotide Polymorphisms (dbSNP), NHLBI Exome Sequencing Project (ESP), and 1000 Genomes Project. In the ESP, this variant was not observed in 5895 samples (11790 alleles) with coverage at this position. This amino acid position is not well conserved in available vertebrate species. In addition, this alteration is predicted to be tolerated by in silico analysis. Since supporting evidence is limited at this time, the clinical significance of this variant remains unclear.

NM_001277115.2(DNAH11):c.2975C>T (p.Thr992Ile)

Genes: DNAH11 (dynein axonemal heavy chain 11; plus strand), LOC126859961 (BRD4-independent group 4 enhancer GRCh37_chr7:21639662-21640861; plus strand). Cytogenetic location: 7p15.3.
Variant type: single nucleotide variant.
Coding change: c.2975C>T on transcript NM_001277115.2 (MANE Select); coding-DNA position 2975, C replaced by T.
Protein change: p.Thr992Ile; replaces threonine 992 with isoleucine.
Molecular consequence: missense variant.
Genome position (GRCh38, 1-based): chr7:21,600,094, C>T. VCF-style: chr7-21600094-C-T. GRCh37 (hg19) VCF-style: chr7-21639712-C-T.
Other names: c.2975C>T, p.Thr992Ile (NM_003777.3); short protein forms T992I.
Identifiers: ClinVar variation 1798324 (VCV001798324.2), dbSNP rs777972960, ClinGen allele CA4179481.